The following continues an entry in ClinVar:

NM_000478.6(ALPL):c.1250A>G (p.Asn417Ser)

Gene: ALPL. ClinVar aggregate classification (germline): Pathogenic/Likely pathogenic. Pathogenic (20); Likely pathogenic (3).

Submissions 13 to 25 of 25:

Blueprint Genetics
Classification: Pathogenic for ALPL-related disorders. Last evaluated: 2024-09-21. Review status: criteria provided, single submitter. Criteria: ACMG Guidelines, 2015. Collection method: clinical testing. Allele origin: germline. Affected: yes. Observed: 5 variant alleles.

Fulgent Genetics
Classification: Pathogenic for Adult hypophosphatasia; Infantile hypophosphatasia; Childhood hypophosphatasia. Last evaluated: 2024-05-02. Review status: criteria provided, single submitter. Criteria: ACMG Guidelines, 2015. Collection method: clinical testing. Allele origin: germline.

Baylor Genetics
Classification: Pathogenic for Adult hypophosphatasia. Last evaluated: 2024-03-28. Review status: criteria provided, single submitter. Criteria: ACMG Guidelines, 2015. Collection method: clinical testing. Allele origin: unknown.

ARUP Laboratories, Molecular Genetics and Genomics, ARUP Laboratories
Classification: Pathogenic. Last evaluated: 2023-06-20. Review status: criteria provided, single submitter. Criteria: ARUP Molecular Germline Variant Investigation Process 2024. Collection method: clinical testing. Allele origin: germline.
Comment: The ALPL c.1250A>G; p.Asn417Ser variant (rs121918014) is reported in the literature in numerous heterozygous individuals affected with hypophosphatasia (Durrough 2021, Fauvert 2009, Hepp 2021, Taillandier 2018), and in one compound heterozygous case affected with perinatal hypophosphatasia (Sergi 2001). This variant is also reported in ClinVar (Variation ID: 13679), and is found in the non-Finnish European population with an allele frequency of 0.006% (8/129126 alleles) in the Genome Aggregation Database. In vitro functional analyses demonstrate reduced ALP enzymatic activity and exhibits a dominant negative effect on wild-type enzymatic activity (Del Angel 2020, Fauvert 2009, Sultana 2013). Computational analyses also predict that this variant is deleterious (REVEL: 0.81). Based on available information, this variant is considered to be pathogenic. References: Del Angel G et al. Large-scale in vitro functional testing and novel variant scoring via protein modeling provide insights into alkaline phosphatase activity in hypophosphatasia. Hum Mutat. 2020 Jul;41(7):1250-1262. PMID: 32160374. Durrough C et al. Characterization of physical, functional, and cognitive performance in 15 adults with hypophosphatasia. Bone. 2021 Jan;142:115695. PMID: 33069919. Fauvert D et al. Mild forms of hypophosphatasia mostly result from dominant negative effect of severe alleles or from compound heterozygosity for severe and moderate alleles. BMC Med Genet. 2009 Jun 6;10:51. PMID: 19500388. Hepp N et al. Biochemical, clinical and genetic characteristics in adults with persistent hypophosphatasaemia; Data from an endocrinological outpatient clinic in Denmark. Bone Rep. 2021 Jun 28;15:101101. PMID: 34258332. Sergi C et al. Perinatal hypophosphatasia: radiology, pathology and molecular biology studies in a family harboring a splicing mutation (648+1A) and a novel missense mutation (N400S) in the tissue-nonspecific alkaline phosphatase (TNSALP) gene. Am J Med Genet. 2001 Oct 15;103(3):235-40. PMID: 11745997. Sultana S et al. An asparagine at position 417 of tissue-nonspecific alkaline phosphatase is essential for its structure and function as revealed by analysis of the N417S mutation associated with severe hypophosphatasia. Mol Genet Metab. 2013 Jul;109(3):282-8. PMID: 23688511. Taillandier A et al. Genetic analysis of adults heterozygous for ALPL mutations. J Bone Miner Metab. 2018 Nov;36(6):723-733. PMID: 29236161.

Johns Hopkins Genomics, Johns Hopkins University
Classification: Pathogenic for Adult hypophosphatasia. Last evaluated: 2021-05-25. Review status: criteria provided, single submitter. Criteria: ACMG Guidelines, 2015. Collection method: clinical testing. Allele origin: germline.

Revvity Omics, Revvity
Classification: Pathogenic. Last evaluated: 2021-02-23. Review status: criteria provided, single submitter. Criteria: ACMG Guidelines, 2015. Collection method: clinical testing. Allele origin: germline.

Victorian Clinical Genetics Services, Murdoch Childrens Research Institute
Classification: Pathogenic for Hypophosphatasia. Last evaluated: 2020-06-11. Review status: criteria provided, single submitter. Criteria: ACMG Guidelines, 2015. Collection method: clinical testing. Allele origin: germline.
Comment: Based on the classification scheme VCGS_Germline_v1.1.1, this variant is classified as Pathogenic. Following criteria are met: 0102 - Loss-of-function is a known mechanism of disease for this gene. (N) 0104 - Dominant Negative is a mechanism of disease for this gene. Functional studies have shown this variant to have a dominant negative effect (PMID: 19500388). (N) 0108 - This gene is known to be associated with both recessive and dominant disease. Severe forms of hypophosphatasia (perinatal and infantile) are generally associated with autosomal recessive disease, while the milder forms of hypophosphatasia (childhood, adult and odonto) have been associated with both autosomal dominant and recessive disease (PMID: 19500388, 23688511). (N) 0112 - Variants in this gene are known to have reduced penetrance. Reduced penetrance and variable expressivity have been reported in patients (PMID: 31760938). (N) 0200 - Variant is predicted to result in a missense amino acid change from asparagine to serine (exon 11). (N) 0251 - Variant is heterozygous. (N) 0302 - Variant is present in gnomAD <0.001 (8 heterozygotes, 0 homozygotes). (P) 0501 - Missense variant consistently predicted to be damaging by multiple in-silico tools or highly conserved with a major amino acid change. (P) 0600 - Variant is located in an annotated domain or motif (Crown domain; PMID: 18925618, 23688511). (N) 0705 - No comparable variants have previous evidence for pathogenicity. (N) 0801 – Very strong previous evidence of pathogenicity in unrelated individuals. This variant has been previously reported in heterozygous patients with adult hypophosphatasia or odontohypophosphatasia (PMID: 19500388, 28401263, 28436937) and in compound heterozygous state in association with perinatal lethal hypophosphatasia (ClinVar, PMID: 11745997, 18925618). (P) 1002 - Moderate functional evidence supporting abnormal protein function. Functional studies showed this variant impairs protein assembly and function (PMID: 23688511). (P) 1208 - Inheritance information for this variant is not currently available. (N) Legend: (P) - Pathogenic, (N) - Neutral, (B) - Benign

Women's Health and Genetics/Laboratory Corporation of America, LabCorp
Classification: Pathogenic for Hypophosphatasia. Last evaluated: 2019-08-05. Review status: criteria provided, single submitter. Criteria: LabCorp Variant Classification Summary - May 2015. Collection method: clinical testing. Allele origin: germline.
Comment: Variant summary: ALPL c.1250A>G (p.Asn417Ser) results in a conservative amino acid change located in the Crown domain (Simon-Bouy_2008) of the encoded protein sequence. Four of five in-silico tools predict a damaging effect of the variant on protein function. The variant allele was found at a frequency of 2e-05 in 251442 control chromosomes (gnomAD). c.1250A>G has been reported in the literature as a single heterozygous variant (i.e. no other variants detected) in multiple individuals with features of mild HPP (odontohypophosphatasia, adult and childhood hypophosphatasia) but also in at least 2 parents that were carriers of the variant without any reported symptoms (Fauvert_2009, Reibel_2009, Whyte_2015). It has also been reported in compound heterozygous state with other pathogenic variants in patients affected with severe perinatal or severe childhood hypophosphatasia (Sergi_2001, Whyte_2015). These data indicate that the variant is very likely to be associated with disease. Using a cell system Fauvert et al reported that this variant has a dominant negative effect (Fauvert_2009) on wild-type enzymatic activity. In addition, Sultana et al performed several functional experiments using an in vitro system and concluded that a complete loss of ALP enzymatic activity resulting from the disruption of its functional dimer structure may represent the molecular basis of HPP associated with ALPL N417S (Sultana_2013). Three ClinVar submitters (evaluation after 2014) cite the variant as likely pathogenic. Based on the evidence outlined above, the variant was classified as pathogenic.

Athena Diagnostics
Classification: Likely pathogenic. Last evaluated: 2018-07-17. Review status: criteria provided, single submitter. Criteria: Athena Diagnostics Criteria. Collection method: clinical testing. Allele origin: germline.

Eurofins Ntd Llc (ga)
Classification: Likely pathogenic. Last evaluated: 2015-07-16. Review status: criteria provided, single submitter. Criteria: EGL Classification Definitions 2015. Collection method: clinical testing. Allele origin: germline. Observed: 2 variant alleles, 2 heterozygotes.

Seattle Children's Hospital Molecular Genetics Laboratory, Seattle Children's Hospital
Classification: Pathogenic for Childhood hypophosphatasia. Review status: criteria provided, single submitter. Criteria: ACMG Guidelines, 2015. Collection method: clinical testing. Allele origin: germline. Affected: yes.
Comment: The p.Asn417Ser variant detected in this individual is predicted to substitute the asparagine at amino acid position 417 with a serine in the crown domain of the protein. The majority of in silico tools predict this variant is damaging, and functional studies have demonstrated that the p.Asn417Ser variant exerts a dominant negative effect on TNSALP, resulting in lack of dimer formation and reduced activity (PMID: 19500388, PMID: 236885113, PMID: 32160374). This variant is present in large population studies at low frequencies (50 of 1,613,808 alleles, no homozygotes, gnomAD v4.0.0).

Counsyl
Classification: Pathogenic for Infantile hypophosphatasia. Last evaluated: 2018-10-03. Review status: no assertion criteria provided. Collection method: clinical testing. Allele origin: unknown. Not counted in ClinVar's aggregate classification.

OMIM
Classification: Pathogenic for HYPOPHOSPHATASIA, PERINATAL LETHAL. Last evaluated: 2001-10-15. Review status: no assertion criteria provided. Collection method: literature only. Allele origin: germline. Not counted in ClinVar's aggregate classification.

Literature cited by the submitters: PubMed 11745997 (cited by 10 submitters); PubMed 25731960 (cited by 3 submitters); PubMed 27998428 (cited by Labcorp Genetics (formerly Invitae), Labcorp and Johns Hopkins Genomics, Johns Hopkins University); PubMed 19500388 (cited by 10 submitters); PubMed 23688511 (cited by 11 submitters); PubMed 33069919 (cited by 3 submitters); PubMed 18925618 (cited by 4 submitters); PubMed 29236161 (cited by Rare Kidney Stone Consortium and the Mayo Clinic Hyperoxaluria Center, Mayo Clinic and Women's Health and Genetics/Laboratory Corporation of America, LabCorp); PubMed 32160374 (cited by 3 submitters); PubMed 34662886 (cited by Rare Kidney Stone Consortium and the Mayo Clinic Hyperoxaluria Center, Mayo Clinic and Mayo Clinic Laboratories, Mayo Clinic); PubMed 34258332 (cited by Rare Kidney Stone Consortium and the Mayo Clinic Hyperoxaluria Center, Mayo Clinic and Mayo Clinic Laboratories, Mayo Clinic); PubMed 34633109 (cited by Rare Kidney Stone Consortium and the Mayo Clinic Hyperoxaluria Center, Mayo Clinic and Mayo Clinic Laboratories, Mayo Clinic); PubMed 33549410 (cited by Rare Kidney Stone Consortium and the Mayo Clinic Hyperoxaluria Center, Mayo Clinic and Mayo Clinic Laboratories, Mayo Clinic); PubMed 36444396 (cited by Rare Kidney Stone Consortium and the Mayo Clinic Hyperoxaluria Center, Mayo Clinic and Mayo Clinic Laboratories, Mayo Clinic); PubMed 38884565 (cited by Rare Kidney Stone Consortium and the Mayo Clinic Hyperoxaluria Center, Mayo Clinic and Mayo Clinic Laboratories, Mayo Clinic); PubMed 38702915 (cited by Rare Kidney Stone Consortium and the Mayo Clinic Hyperoxaluria Center, Mayo Clinic and Mayo Clinic Laboratories, Mayo Clinic); PubMed 39983296 (cited by Rare Kidney Stone Consortium and the Mayo Clinic Hyperoxaluria Center, Mayo Clinic and Mayo Clinic Laboratories, Mayo Clinic); PubMed 40794449 (cited by Rare Kidney Stone Consortium and the Mayo Clinic Hyperoxaluria Center, Mayo Clinic); PubMed 35878747 (cited by Genomenon, Inc); PubMed 28436937 (cited by 4 submitters); PubMed 32973344 (cited by Genomenon, Inc); PubMed 29264574 (cited by Genomenon, Inc); PubMed 28580391 (cited by Genomenon, Inc); PubMed 32811521 (cited by Genomenon, Inc); PubMed 31400546 (cited by Johns Hopkins Genomics, Johns Hopkins University); PubMed 28401263 (cited by 3 submitters); PubMed 31760938 (cited by Victorian Clinical Genetics Services, Murdoch Childrens Research Institute); PubMed 19232125 (cited by Women's Health and Genetics/Laboratory Corporation of America, LabCorp); PubMed 27699270 (cited by Women's Health and Genetics/Laboratory Corporation of America, LabCorp).